The following is an entry in ClinVar:

ClinVar aggregate classification (germline): Uncertain significance (1 of 4 stars; one submission).

Conditions:
Leigh syndrome (NULS). Also called: Leigh's necrotizing encephalopathy; Leigh's disease; Leigh Syndrome (mtDNA deletion); Leigh Disease; Subacute necrotizing encephalopathy; Necrotizing encephalopathy infantile subacute of Leigh. Identifiers: Orphanet 506, MedGen C2931891, MONDO:0009723, OMIM 256000.

Submission:

Wong Mito Lab, Molecular and Human Genetics, Baylor College of Medicine
Classification: Uncertain significance for Leigh syndrome. Last evaluated: 2019-10-17. Review status: criteria provided, single submitter. Criteria: Modified ACMG Guidelines (Unpublished). Collection method: clinical testing. Allele origin: germline.
Comment: The NC_012920.1:m.5444C>A (YP_003024027.1:p.Phe325Leu) variant in MTND2 gene is interpretated to be a Uncertain Significance variant based on the modified ACMG guidelines (unpublished). This variant meets the following evidence codes: PP4, BP4

NC_012920.1(MT-ND2):m.5444C>A

Gene: MT-ND2 (mitochondrially encoded NADH dehydrogenase 2; plus strand).
Variant type: single nucleotide variant.
Genome position: chrM-5444-C-A.
Identifiers: ClinVar variation 692588 (VCV000692588.1), dbSNP rs1603219956, ClinGen allele CA414780374.
Genomic context (GRCh38, chrMT:5,444, plus strand): 5'-CCCCATATCTAACAACGTAAAAATAAAATGACAGTTTGAACATACAAAACCCACCCCATT[C>A]CTCCCCACACTCATCGCCCTTACCACGCTACTCCTACCTATCTCCCCTTTTATACTAATA-3'